The following is an entry in ClinVar:

NM_001042492.3(NF1):c.6253del (p.Met2085fs)

Gene: NF1 (neurofibromin 1; plus strand). Cytogenetic location: 17q11.2.
Variant type: Deletion.
Coding change: c.6253del on transcript NM_001042492.3 (MANE Select); coding-DNA position 6253, one base deleted (A; older notation c.6253delA).
Protein change: p.Met2085fs; shifts the reading frame from methionine 2085.
Molecular consequence: frameshift variant.
Genome position (GRCh38, 1-based): chr17:31,336,740, A deleted. VCF-style (leftmost placement, unchanged base first): chr17-31336739-CA-C. GRCh37 (hg19) VCF-style: chr17-29663757-CA-C.
Other names: c.6190delA (NM_000267.3); c.6190delA, p.Met2064Cysfs (NM_000267.4); short protein forms M2085fs, M2064fs.
Identifiers: ClinVar variation 1752120 (VCV001752120.2), dbSNP rs2508748656, ClinGen allele CA2580093258.

ClinVar aggregate classification (germline): Pathogenic (1 of 4 stars; one submission).

Conditions:
Cardiovascular phenotype. Identifiers: MedGen CN230736.
Hereditary cancer-predisposing syndrome. Also called: Hereditary Cancer Syndrome; Hereditary neoplastic syndrome; Neoplastic Syndromes, Hereditary; Tumor predisposition. Identifiers: Orphanet 140162, MedGen C0027672, MeSH D009386, MONDO:0015356.

Submission:

Ambry Genetics
Classification: Pathogenic for Cardiovascular phenotype; Hereditary cancer-predisposing syndrome. Last evaluated: 2021-01-12. Review status: criteria provided, single submitter. Criteria: Ambry Variant Classification Scheme 2023. Collection method: clinical testing. Allele origin: germline.
Comment: The c.6190delA pathogenic mutation, located in coding exon 41 of the NF1 gene, results from a deletion of one nucleotide at nucleotide position 6190, causing a translational frameshift with a predicted alternate stop codon (p.M2064Cfs*2). This alteration is expected to result in loss of function by premature protein truncation or nonsense-mediated mRNA decay. As such, this alteration is interpreted as a disease-causing mutation.